The following is an entry in ClinVar:

NM_000065.5(C6):c.234C>A (p.Cys78Ter)

Gene: C6 (complement C6; minus strand). Cytogenetic location: 5p13.1.
Variant type: single nucleotide variant.
Coding change: c.234C>A on transcript NM_000065.5 (MANE Select); coding-DNA position 234, C replaced by A.
Protein change: p.Cys78Ter; replaces cysteine 78 with a stop codon.
Molecular consequence: nonsense.
Genome position (GRCh38, 1-based): chr5:41,201,624, G>T on the plus strand (C>A on the coding strand, the complement: C6 is on the minus strand). VCF-style: chr5-41201624-G-T. GRCh37 (hg19) VCF-style: chr5-41201726-G-T.
Other names: c.234C>A, p.Cys78Ter (NM_001115131.4); short protein forms C78*.
Identifiers: ClinVar variation 4999397 (VCV004999397.1).

ClinVar aggregate classification (germline): Likely pathogenic (1 of 4 stars; one submission).

Conditions:
C6-related disorder. Also called: C6-related condition.

gnomAD v4.1: 4 of 1,613,482 alleles (0.00025%); highest among the groups gnomAD compares: East Asian, 0.0089%; no homozygotes.

Submission:

PreventionGenetics, part of Exact Sciences
Classification: Likely pathogenic for C6-related condition. Last evaluated: 2024-12-20. Review status: criteria provided, single submitter. Criteria: ACMG Guidelines, 2015. Collection method: clinical testing. Allele origin: germline.
Comment: The C6 c.234C>A variant is predicted to result in premature protein termination (p.Cys78*). To our knowledge, this variant has not been reported in the literature or in a large population database (gnomAD), indicating this variant is rare. Nonsense variants in C6 are expected to be pathogenic. This variant is interpreted as likely pathogenic.